The following is an entry in ClinVar:

ClinVar aggregate classification (germline): Uncertain significance. Review status: criteria provided, multiple submitters, no conflicts (2 of 4 stars). 3 submissions from 3 submitters: Uncertain significance (3). Last evaluated 2025-10-05.

Conditions:
Intellectual disability, autosomal dominant 16 (CSS4). Also called: COFFIN-SIRIS SYNDROME 4. Identifiers: Orphanet 1465, MedGen C3553249, MONDO:0013821, OMIM 614609.
Hereditary cancer-predisposing syndrome. Also called: Neoplastic Syndromes, Hereditary; Tumor predisposition; Hereditary Cancer Syndrome; Hereditary neoplastic syndrome. Identifiers: Orphanet 140162, MedGen C0027672, MeSH D009386, MONDO:0015356.
Rhabdoid tumor predisposition syndrome 2 (RTPS2). Identifiers: Orphanet 231108, Orphanet 69077, MedGen C2750074, MONDO:0013224, OMIM 613325.

Submissions (3):

Labcorp Genetics (formerly Invitae), Labcorp
Classification: Uncertain significance for Rhabdoid tumor predisposition syndrome 2. Last evaluated: 2025-10-05. Review status: criteria provided, single submitter. Criteria: Invitae Variant Classification Sherloc (09022015). Collection method: clinical testing. Allele origin: germline.
Comment: This sequence change replaces proline, which is neutral and non-polar, with serine, which is neutral and polar, at codon 30 of the SMARCA4 protein (p.Pro30Ser). This variant is not present in population databases (gnomAD no frequency). This variant has not been reported in the literature in individuals affected with SMARCA4-related conditions. ClinVar contains an entry for this variant (Variation ID: 649569). Invitae Evidence Modeling of protein sequence and biophysical properties (such as structural, functional, and spatial information, amino acid conservation, physicochemical variation, residue mobility, and thermodynamic stability) indicates that this missense variant is not expected to disrupt SMARCA4 protein function with a negative predictive value of 80%. In summary, the available evidence is currently insufficient to determine the role of this variant in disease. Therefore, it has been classified as a Variant of Uncertain Significance.

Genome-Nilou Lab
Classification: Uncertain significance for Intellectual disability, autosomal dominant 16. Last evaluated: 2021-07-15. Review status: criteria provided, single submitter. Criteria: ACMG Guidelines, 2015. Collection method: clinical testing. Allele origin: germline. Affected: no.

Ambry Genetics
Classification: Uncertain significance for Hereditary cancer-predisposing syndrome. Last evaluated: 2019-05-22. Review status: criteria provided, single submitter. Criteria: Ambry Variant Classification Scheme 2023. Collection method: clinical testing. Allele origin: germline.
Comment: The p.P30S variant (also known as c.88C>T), located in coding exon 1 of the SMARCA4 gene, results from a C to T substitution at nucleotide position 88. The proline at codon 30 is replaced by serine, an amino acid with similar properties. This amino acid position is highly conserved in available vertebrate species. In addition, the in silico prediction for this alteration is inconclusive. Since supporting evidence is limited at this time, the clinical significance of this alteration remains unclear.

NM_003072.5(SMARCA4):c.88C>T (p.Pro30Ser)

Gene: SMARCA4 (SWI/SNF related BAF chromatin remodeling complex subunit ATPase 4; plus strand). Cytogenetic location: 19p13.2.
Variant type: single nucleotide variant.
Coding change: c.88C>T on transcript NM_003072.5 (MANE Select); coding-DNA position 88, C replaced by T.
Protein change: p.Pro30Ser; replaces proline 30 with serine.
Molecular consequence: missense variant. On other transcripts: non-coding transcript variant (1).
Genome position (GRCh38, 1-based): chr19:10,984,239, C>T. VCF-style: chr19-10984239-C-T. GRCh37 (hg19) VCF-style: chr19-11094915-C-T.
Other names: c.88C>T, p.Pro30Ser (NM_001128844.3, NM_001128845.2, NM_001128846.2 and 5 more transcripts); short protein forms P30S.
Identifiers: ClinVar variation 649569 (VCV000649569.15), dbSNP rs1599928968, ClinGen allele CA404054128.